The following is an entry in ClinVar:

NM_005477.3(HCN4):c.3178C>T (p.Pro1060Ser)

Gene: HCN4 (hyperpolarization activated cyclic nucleotide gated potassium channel 4; minus strand). Cytogenetic location: 15q24.1.
Variant type: single nucleotide variant.
Coding change: c.3178C>T on transcript NM_005477.3 (MANE Select); coding-DNA position 3178, C replaced by T.
Protein change: p.Pro1060Ser; replaces proline 1060 with serine.
Molecular consequence: missense variant.
Genome position (GRCh38, 1-based): chr15:73,322,915, G>A on the plus strand (C>T on the coding strand, the complement: HCN4 is on the minus strand). VCF-style: chr15-73322915-G-A. GRCh37 (hg19) VCF-style: chr15-73615256-G-A.
Other names: short protein forms P1060S.
Identifiers: ClinVar variation 835589 (VCV000835589.9), dbSNP rs1160260831, ClinGen allele CA393086061.
Genomic context (GRCh38, chr15:73,322,915, plus strand): 5'-TGAGGCGGCCGGGGGTGAGCGGGGGTGTGCCCCGGCGCTGGGGGACCTGGGGTGGTGGGG[G>A]GCTGGATGCAGGTGGCAGGAGCAAGGATCCGTGGGAGCCAGAGGCCCGGGGCGGGGCACT-3'
Protein context (NP_005468.1, residues 1050-1070): GSLLLPPASS[Pro1060Ser]PPPQVPQRRG

ClinVar aggregate classification (germline): Uncertain significance (1 of 4 stars; one submission).

Conditions:
Brugada syndrome 8 (BRGDA8). Identifiers: Orphanet 130, MedGen C2751083, MONDO:0013148, OMIM 613123.

Allele frequency attached by ClinVar (database versions not stated): TOPMed below 0.00001; gnomAD exomes 0.00001.

Submission:

Labcorp Genetics (formerly Invitae), Labcorp
Classification: Uncertain significance for Brugada syndrome 8. Last evaluated: 2023-03-26. Review status: criteria provided, single submitter. Criteria: Invitae Variant Classification Sherloc (09022015). Collection method: clinical testing. Allele origin: germline.
Comment: In summary, the available evidence is currently insufficient to determine the role of this variant in disease. Therefore, it has been classified as a Variant of Uncertain Significance. Advanced modeling of protein sequence and biophysical properties (such as structural, functional, and spatial information, amino acid conservation, physicochemical variation, residue mobility, and thermodynamic stability) performed at Invitae indicates that this missense variant is not expected to disrupt HCN4 protein function. ClinVar contains an entry for this variant (Variation ID: 835589). This variant has not been reported in the literature in individuals affected with HCN4-related conditions. The frequency data for this variant in the population databases is considered unreliable, as metrics indicate poor data quality at this position in the gnomAD database. This sequence change replaces proline, which is neutral and non-polar, with serine, which is neutral and polar, at codon 1060 of the HCN4 protein (p.Pro1060Ser).